The following is an entry in ClinVar:

NM_182493.3(MYLK3):c.305A>C (p.Gln102Pro)

Gene: MYLK3 (myosin light chain kinase 3; minus strand). Cytogenetic location: 16q11.2.
Variant type: single nucleotide variant.
Coding change: c.305A>C on transcript NM_182493.3 (MANE Select); coding-DNA position 305, A replaced by C.
Protein change: p.Gln102Pro; replaces glutamine 102 with proline.
Molecular consequence: missense variant. On other transcripts: intron variant (1).
Genome position (GRCh38, 1-based): chr16:46,747,889, T>G on the plus strand (A>C on the coding strand, the complement: MYLK3 is on the minus strand). VCF-style: chr16-46747889-T-G. GRCh37 (hg19) VCF-style: chr16-46781801-T-G.
Other names: c.-113-7742A>C (NM_001308301.1); c.305A>C (NM_182493.2); short protein forms Q102P.
Identifiers: ClinVar variation 1416768 (VCV001416768.7), dbSNP rs775901507, ClinGen allele CA8038283.
Genomic context (GRCh38, chr16:46,747,889, plus strand): 5'-TCCACCGCAGCCACCATCCTGAAGAGGGCCTCCAGCCTGGCACCGTGCTGGGCCGCATCC[T>G]GCTGCATGGCCCTCACCAGCTCCAGGACCTCGGGCCACCCAGCCTGGGTGTCAATGTGGG-3'
Protein context (NP_872299.2, residues 92-112): EVLELVRAMQ[Gln102Pro]DAAQHGARLE

ClinVar aggregate classification (germline): Uncertain significance. Review status: criteria provided, multiple submitters, no conflicts (2 of 4 stars). 2 submissions from 2 submitters: Uncertain significance (2). Last evaluated 2025-12-08.

Allele frequency attached by ClinVar (database versions not stated): gnomAD exomes below 0.00001 and 0.00001; ExAC 0.00001; gnomAD 0.00004 and 0.00005; TOPMed 0.00009.
gnomAD v4.1: 11 of 1,613,828 alleles (0.00068%); highest among the groups gnomAD compares: African/African-American, 0.011%; no homozygotes.

Submissions (2):

Labcorp Genetics (formerly Invitae), Labcorp
Classification: Uncertain significance. Last evaluated: 2025-12-08. Review status: criteria provided, single submitter. Criteria: Invitae Variant Classification Sherloc (09022015). Collection method: clinical testing. Allele origin: germline.
Comment: This sequence change replaces glutamine, which is neutral and polar, with proline, which is neutral and non-polar, at codon 102 of the MYLK3 protein (p.Gln102Pro). This variant is present in population databases (rs775901507, gnomAD 0.02%). This variant has not been reported in the literature in individuals affected with MYLK3-related conditions. ClinVar contains an entry for this variant (Variation ID: 1416768). An algorithm developed to predict the effect of missense changes on protein structure and function (PolyPhen-2) suggests that this variant is likely to be disruptive. In summary, the available evidence is currently insufficient to determine the role of this variant in disease. Therefore, it has been classified as a Variant of Uncertain Significance.

Ambry Genetics
Classification: Uncertain significance. Last evaluated: 2025-09-10. Review status: criteria provided, single submitter. Criteria: Ambry Variant Classification Scheme 2023. Collection method: clinical testing. Allele origin: germline.